The following is an entry in ClinVar:

NM_006939.4(SOS2):c.2864A>G (p.Asn955Ser)

Gene: SOS2 (SOS Ras/Rho guanine nucleotide exchange factor 2; minus strand). Cytogenetic location: 14q21.3.
Variant type: single nucleotide variant.
Coding change: c.2864A>G on transcript NM_006939.4 (MANE Select); coding-DNA position 2864, A replaced by G.
Protein change: p.Asn955Ser; replaces asparagine 955 with serine.
Molecular consequence: missense variant.
Genome position (GRCh38, 1-based): chr14:50,138,706, T>C on the plus strand (A>G on the coding strand, the complement: SOS2 is on the minus strand). VCF-style: chr14-50138706-T-C. GRCh37 (hg19) VCF-style: chr14-50605424-T-C.
Other names: c.2765A>G, p.Asn922Ser (NM_001411020.1); short protein forms N922S, N955S.
Identifiers: ClinVar variation 2753424 (VCV002753424.3), dbSNP rs2502878057, ClinGen allele CA389642396.

ClinVar aggregate classification (germline): Uncertain significance (1 of 4 stars; one submission).

Conditions:
Noonan syndrome 9 (NS9). Identifiers: Orphanet 648, MedGen C4225282, MONDO:0014691, OMIM 616559.

Allele frequency attached by ClinVar (database versions not stated): gnomAD exomes below 0.00001.
gnomAD v4.1: 2 of 1,440,546 alleles (0.00014%); highest among the groups gnomAD compares: Non-Finnish European, 0.00019%; no homozygotes.

Submission:

Labcorp Genetics (formerly Invitae), Labcorp
Classification: Uncertain significance for Noonan syndrome 9. Last evaluated: 2023-08-17. Review status: criteria provided, single submitter. Criteria: Invitae Variant Classification Sherloc (09022015). Collection method: clinical testing. Allele origin: germline.
Comment: In summary, the available evidence is currently insufficient to determine the role of this variant in disease. Therefore, it has been classified as a Variant of Uncertain Significance. Advanced modeling of protein sequence and biophysical properties (such as structural, functional, and spatial information, amino acid conservation, physicochemical variation, residue mobility, and thermodynamic stability) performed at Invitae indicates that this missense variant is expected to disrupt SOS2 protein function. This variant has not been reported in the literature in individuals affected with SOS2-related conditions. This variant is not present in population databases (gnomAD no frequency). This sequence change replaces asparagine, which is neutral and polar, with serine, which is neutral and polar, at codon 955 of the SOS2 protein (p.Asn955Ser).